The following is an entry in ClinVar:

ClinVar aggregate classification (germline): Likely pathogenic (1 of 4 stars; one submission).

Submission:

Labcorp Genetics (formerly Invitae), Labcorp
Classification: Likely pathogenic. Last evaluated: 2025-01-11. Review status: criteria provided, single submitter. Criteria: Invitae Variant Classification Sherloc (09022015). Collection method: clinical testing. Allele origin: germline.
Comment: This sequence change affects an acceptor splice site in intron 23 of the DUOX2 gene. It is expected to disrupt RNA splicing. Variants that disrupt the donor or acceptor splice site typically lead to a loss of protein function (PMID: 16199547), and loss-of-function variants in DUOX2 are known to be pathogenic (PMID: 12110737, 18765513, 21565790, 24423310, 24735383). This variant is not present in population databases (gnomAD no frequency). This variant has not been reported in the literature in individuals affected with DUOX2-related conditions. ClinVar contains an entry for this variant (Variation ID: 2973153). Algorithms developed to predict the effect of sequence changes on RNA splicing suggest that this variant may disrupt the consensus splice site. In summary, the currently available evidence indicates that the variant is pathogenic, but additional data are needed to prove that conclusively. Therefore, this variant has been classified as Likely Pathogenic.

Literature cited by the submitters: PubMed 16199547; PubMed 12110737; PubMed 18765513; PubMed 21565790; PubMed 24423310; PubMed 24735383.

NM_001363711.2(DUOX2):c.3006-1G>A

Gene: DUOX2 (dual oxidase 2; minus strand). Cytogenetic location: 15q21.1.
Variant type: single nucleotide variant.
Coding change: c.3006-1G>A on transcript NM_001363711.2 (MANE Select); the canonical splice acceptor site of the intron before coding-DNA position 3006, G replaced by A.
Molecular consequence: splice acceptor variant.
Genome position (GRCh38, 1-based): chr15:45,100,229, C>T on the plus strand (G>A on the coding strand, the complement: DUOX2 is on the minus strand). VCF-style: chr15-45100229-C-T. GRCh37 (hg19) VCF-style: chr15-45392427-C-T.
Other names: c.3006-1G>A (NM_014080.5).
Identifiers: ClinVar variation 2973153 (VCV002973153.4), dbSNP rs2504751716, ClinGen allele CA392264172.